The following is an entry in ClinVar:

ClinVar aggregate classification (germline): Uncertain significance. Review status: criteria provided, multiple submitters, no conflicts (2 of 4 stars). 2 submissions from 2 submitters: Uncertain significance (2). Last evaluated 2025-11-02.

Conditions:
Primary ciliary dyskinesia. Also called: Ciliary dyskinesia. Identifiers: Orphanet 244, MedGen C0008780, MONDO:0016575, HP:0012265.

Allele frequency attached by ClinVar (database versions not stated): ExAC 0.00002; gnomAD 0.00002; TOPMed 0.00003; 1000 Genomes Project 30x 0.00016; 1000 Genomes Project 0.00020.
gnomAD v4.1: 18 of 1,613,426 alleles (0.0011%); highest among the groups gnomAD compares: East Asian, 0.038%; no homozygotes.

Submissions (2):

Ambry Genetics
Classification: Uncertain significance. Last evaluated: 2025-11-02. Review status: criteria provided, single submitter. Criteria: Ambry Variant Classification Scheme 2023. Collection method: clinical testing. Allele origin: germline.

Labcorp Genetics (formerly Invitae), Labcorp
Classification: Uncertain significance for Primary ciliary dyskinesia. Last evaluated: 2022-04-01. Review status: criteria provided, single submitter. Criteria: Invitae Variant Classification Sherloc (09022015). Collection method: clinical testing. Allele origin: germline.
Comment: This sequence change replaces isoleucine, which is neutral and non-polar, with threonine, which is neutral and polar, at codon 4595 of the DNAH8 protein (p.Ile4595Thr). This variant is present in population databases (rs199891264, gnomAD 0.07%). This variant has not been reported in the literature in individuals affected with DNAH8-related conditions. Algorithms developed to predict the effect of missense changes on protein structure and function are either unavailable or do not agree on the potential impact of this missense change (SIFT: "Deleterious"; PolyPhen-2: "Not Available"; Align-GVGD: "Class C0"). In summary, the available evidence is currently insufficient to determine the role of this variant in disease. Therefore, it has been classified as a Variant of Uncertain Significance.

NM_001206927.2(DNAH8):c.13784T>C (p.Ile4595Thr)

Gene: DNAH8 (dynein axonemal heavy chain 8; plus strand). Cytogenetic location: 6p21.2.
Variant type: single nucleotide variant.
Coding change: c.13784T>C on transcript NM_001206927.2 (MANE Select); coding-DNA position 13784, T replaced by C.
Protein change: p.Ile4595Thr; replaces isoleucine 4595 with threonine.
Molecular consequence: missense variant.
Genome position (GRCh38, 1-based): chr6:39,026,615, T>C. VCF-style: chr6-39026615-T-C. GRCh37 (hg19) VCF-style: chr6-38994391-T-C.
Other names: c.13784T>C (NM_001206927.1); c.13133T>C, p.Ile4378Thr (NM_001371.4); short protein forms I4378T, I4595T.
Identifiers: ClinVar variation 2184566 (VCV002184566.6), dbSNP rs199891264, ClinGen allele CA3791770.